The following is an entry in ClinVar:

ClinVar aggregate classification (germline): Uncertain significance. Review status: criteria provided, multiple submitters, no conflicts (2 of 4 stars). 2 submissions from 2 submitters: Uncertain significance (2). Last evaluated 2021-08-15.

Conditions:
Dilated cardiomyopathy 1KK (CMD1KK). Identifiers: Orphanet 154, Orphanet 75249, MedGen C3714995, MONDO:0014100, OMIM 615248.
MYPN-related myopathy (CMYO24). Also called: Nemaline myopathy 11, autosomal recessive. Identifiers: MedGen C4479186, MONDO:0015023, OMIM 617336.

Allele frequency attached by ClinVar (database versions not stated): gnomAD 0.00001.
gnomAD v4.1: 6 of 1,613,890 alleles (0.00037%); highest among the groups gnomAD compares: African/African-American, 0.0013%; no homozygotes.

Submissions (2):

Fulgent Genetics
Classification: Uncertain significance for Dilated cardiomyopathy 1KK; MYPN-related myopathy. Last evaluated: 2021-08-15. Review status: criteria provided, single submitter. Criteria: ACMG Guidelines, 2015. Collection method: clinical testing. Allele origin: unknown.

Labcorp Genetics (formerly Invitae), Labcorp
Classification: Uncertain significance for Dilated cardiomyopathy 1KK. Last evaluated: 2021-02-21. Review status: criteria provided, single submitter. Criteria: Invitae Variant Classification Sherloc (09022015). Collection method: clinical testing. Allele origin: germline.
Comment: Algorithms developed to predict the effect of missense changes on protein structure and function (SIFT, PolyPhen-2, Align-GVGD) all suggest that this variant is likely to be tolerated, but these predictions have not been confirmed by published functional studies and their clinical significance is uncertain. In summary, the available evidence is currently insufficient to determine the role of this variant in disease. Therefore, it has been classified as a Variant of Uncertain Significance. This variant has not been reported in the literature in individuals with MYPN-related conditions. This sequence change replaces proline with glutamine at codon 898 of the MYPN protein (p.Pro898Gln). The proline residue is weakly conserved and there is a moderate physicochemical difference between proline and glutamine. This variant is not present in population databases (ExAC no frequency).

NM_032578.4(MYPN):c.2693C>A (p.Pro898Gln)

Gene: MYPN (myopalladin; plus strand). Cytogenetic location: 10q21.3.
Variant type: single nucleotide variant.
Coding change: c.2693C>A on transcript NM_032578.4 (MANE Select); coding-DNA position 2693, C replaced by A.
Protein change: p.Pro898Gln; replaces proline 898 with glutamine.
Molecular consequence: missense variant. On other transcripts: non-coding transcript variant (1).
Genome position (GRCh38, 1-based): chr10:68,175,451, C>A. VCF-style: chr10-68175451-C-A. GRCh37 (hg19) VCF-style: chr10-69935208-C-A.
Other names: c.2693C>A, p.Pro898Gln (NM_001256267.2); c.1811C>A, p.Pro604Gln (NM_001256268.2); short protein forms P604Q, P898Q.
Identifiers: ClinVar variation 1349823 (VCV001349823.9), dbSNP rs771428473, ClinGen allele CA208205516.